The following is an entry in ClinVar:

NM_000372.5(TYR):c.1469C>A (p.Ala490Asp)

Gene: TYR (tyrosinase; plus strand). Cytogenetic location: 11q14.3.
Variant type: single nucleotide variant.
Coding change: c.1469C>A on transcript NM_000372.5 (MANE Select); coding-DNA position 1469, C replaced by A.
Protein change: p.Ala490Asp; replaces alanine 490 with aspartic acid.
Molecular consequence: missense variant.
Genome position (GRCh38, 1-based): chr11:89,295,245, C>A. VCF-style: chr11-89295245-C-A. GRCh37 (hg19) VCF-style: chr11-89028413-C-A.
Other names: short protein forms A490D.
Identifiers: ClinVar variation 3907545 (VCV003907545.2).

ClinVar aggregate classification (germline): Likely pathogenic. Review status: criteria provided, multiple submitters, no conflicts (2 of 4 stars). 2 submissions from 2 submitters: Likely pathogenic (2). Last evaluated 2025-06-25.

Conditions:
Oculocutaneous albinism. Identifiers: Orphanet 55, MedGen C0078918, MONDO:0018910.
Oculocutaneous albinism type 1. Also called: Albinism 1; ALBINISM I. Identifiers: Orphanet 352731, MedGen C0268494, MONDO:0018135. Disease mechanism: loss of function.

gnomAD v4.1: 1 of 1,613,972 alleles (0.000062%); highest among the groups gnomAD compares: Non-Finnish European, 0.000085%; no homozygotes.

Submissions (2):

Women's Health and Genetics/Laboratory Corporation of America, LabCorp
Classification: Likely pathogenic for Oculocutaneous albinism. Last evaluated: 2025-06-25. Review status: criteria provided, single submitter. Criteria: LabCorp Variant Classification Summary - May 2015. Collection method: clinical testing. Allele origin: germline.
Comment: Variant summary: TYR c.1469C>A (p.Ala490Asp) results in a non-conservative amino acid change in the encoded protein sequence. Algorithms developed to predict the effect of missense changes on protein structure and function are either unavailable or do not agree on the potential impact of this missense change. The variant was absent in 251060 control chromosomes (gnomAD). c.1469C>A has been observed in individuals affected with Oculocutaneous Albinism (e.g., Simeonov_2013, Mauri_2017, Lasseaux_2018, Monferm_2019). These data indicate that the variant may be associated with disease. To our knowledge, no experimental evidence demonstrating an impact on protein function has been reported. The following publications have been ascertained in the context of this evaluation (PMID: 23504663, 27734839, 29345414, 30472657). No submitters have cited clinical-significance assessments for this variant to ClinVar. Based on the evidence outlined above, the variant was classified as likely pathogenic.

Myriad Genetics, Inc.
Classification: Likely pathogenic for Oculocutaneous albinism type 1. Last evaluated: 2025-05-07. Review status: criteria provided, single submitter. Criteria: Myriad Autosomal Dominant, Autosomal Recessive and X-Linked Classification Criteria (2023). Collection method: clinical testing. Allele origin: unknown.
Comment: NM_000372.4(TYR):c.1469C>A(A490D) is a missense variant classified as likely pathogenic in the context of oculocutaneous albinism, TYR-related. A490D has been observed in cases with relevant disease (PMID: 29345414, 27734839, 23504663, 35803923). Relevant functional assessments of this variant are not available in the literature. A490D has not been observed in referenced population frequency databases. In summary, NM_000372.4(TYR):c.1469C>A(A490D) is a missense variant that has been observed more frequently in cases with the relevant disease than in healthy populations. Please note: this variant was assessed in the context of healthy population screening.

Literature cited by the submitters: PubMed 29345414 (cited by Women's Health and Genetics/Laboratory Corporation of America, LabCorp and Myriad Genetics, Inc.); PubMed 30472657 (cited by Women's Health and Genetics/Laboratory Corporation of America, LabCorp); PubMed 27734839 (cited by Women's Health and Genetics/Laboratory Corporation of America, LabCorp and Myriad Genetics, Inc.); PubMed 23504663 (cited by Women's Health and Genetics/Laboratory Corporation of America, LabCorp and Myriad Genetics, Inc.); PubMed 35803923 (cited by Myriad Genetics, Inc.).